The following is an entry in ClinVar:

ClinVar aggregate classification (germline): Uncertain significance (1 of 4 stars; one submission).

Submission:

Labcorp Genetics (formerly Invitae), Labcorp
Classification: Uncertain significance. Last evaluated: 2025-08-18. Review status: criteria provided, single submitter. Criteria: Invitae Variant Classification Sherloc (09022015). Collection method: clinical testing. Allele origin: germline.
Comment: This sequence change creates a premature translational stop signal (p.Pro1764Thrfs*13) in the HMCN1 gene. It is expected to result in an absent or disrupted protein product. However, the current clinical and genetic evidence is not sufficient to establish whether loss-of-function variants in HMCN1 cause disease. This variant is not present in population databases (gnomAD no frequency). This variant has not been reported in the literature in individuals affected with HMCN1-related conditions. ClinVar contains an entry for this variant (Variation ID: 3726070). In summary, the available evidence is currently insufficient to determine the role of this variant in disease. Therefore, it has been classified as a Variant of Uncertain Significance.

NM_031935.3(HMCN1):c.5288dup (p.Pro1764fs)

Gene: HMCN1 (hemicentin 1; plus strand). Cytogenetic location: 1q31.1.
Variant type: Duplication.
Coding change: c.5288dup on transcript NM_031935.3 (MANE Select); coding-DNA position 5288, one base duplicated (C; older notation c.5288dupC).
Protein change: p.Pro1764fs; shifts the reading frame from proline 1764.
Molecular consequence: frameshift variant.
Genome position (GRCh38, 1-based): chr1:186,017,059, C duplicated; the last of 5 consecutive C bases (chr1:186,017,055-186,017,059); duplicating any one gives the same sequence. VCF-style (leftmost placement, unchanged base first): chr1-186017054-T-TC. GRCh37 (hg19) VCF-style: chr1-185986186-T-TC.
Other names: short protein forms P1764fs.
Identifiers: ClinVar variation 3726070 (VCV003726070.2).
Genomic context (GRCh38, chr1:186,017,054, plus strand): 5'-ATCTTACTTCATTGTGATGGTTAATAACTTACTGGAGCTAGATTGTCATGTGACAGGCTC[T>TC]CCCCCACCAACTATCATGTAAGGGTTTTGGTATGTCTTCTAAATACCTCCTGCTTTTTGT-3'